The following is an entry in ClinVar:

NM_000275.3(OCA2):c.1951+5G>A

Gene: OCA2 (OCA2 melanosomal transmembrane protein; minus strand). Cytogenetic location: 15q13.1.
Variant type: single nucleotide variant.
Coding change: c.1951+5G>A on transcript NM_000275.3 (MANE Select); 5 bases into the intron after coding-DNA position 1951, G replaced by A.
Molecular consequence: intron variant.
Genome position (GRCh38, 1-based): chr15:27,951,779, C>T on the plus strand (G>A on the coding strand, the complement: OCA2 is on the minus strand). VCF-style: chr15-27951779-C-T. GRCh37 (hg19) VCF-style: chr15-28196925-C-T.
Other names: c.1879+5G>A (NM_001300984.2).
Identifiers: ClinVar variation 3637314 (VCV003637314.2).

ClinVar aggregate classification (germline): Uncertain significance (1 of 4 stars; one submission).

gnomAD v4.1: 1 of 1,583,112 alleles (0.000063%); highest among the groups gnomAD compares: South Asian, 0.0011%; no homozygotes.

Submission:

Labcorp Genetics (formerly Invitae), Labcorp
Classification: Uncertain significance. Last evaluated: 2024-04-14. Review status: criteria provided, single submitter. Criteria: Invitae Variant Classification Sherloc (09022015). Collection method: clinical testing. Allele origin: germline.
Comment: This sequence change falls in intron 18 of the OCA2 gene. It does not directly change the encoded amino acid sequence of the OCA2 protein. It affects a nucleotide within the consensus splice site. This variant is not present in population databases (gnomAD no frequency). This variant has not been reported in the literature in individuals affected with OCA2-related conditions. Variants that disrupt the consensus splice site are a relatively common cause of aberrant splicing (PMID: 17576681, 9536098). Algorithms developed to predict the effect of sequence changes on RNA splicing suggest that this variant may disrupt the consensus splice site. In summary, the available evidence is currently insufficient to determine the role of this variant in disease. Therefore, it has been classified as a Variant of Uncertain Significance.

Literature cited by the submitters: PubMed 17576681; PubMed 9536098.